The following is an entry in ClinVar:

ClinVar aggregate classification (germline): Uncertain significance (1 of 4 stars; one submission).

Conditions:
Pseudoachondroplastic spondyloepiphyseal dysplasia syndrome (PSACH). Also called: COMP-Related Pseudoachondroplasia; PSEUDOACHONDROPLASTIC DYSPLASIA; Pseudoachondroplasia. Identifiers: Orphanet 750, MedGen C0410538, MONDO:0008322, OMIM 177170.
Multiple epiphyseal dysplasia type 1. Also called: COMP-Related Multiple Epiphyseal Dysplasia. Identifiers: Orphanet 93308, MedGen C1838280, MONDO:0007561, OMIM 132400.

Allele frequency attached by ClinVar (database versions not stated): gnomAD 0.00001; TOPMed 0.00003; gnomAD exomes 0.00005.
gnomAD v4.1: 65 of 1,541,420 alleles (0.0042%); highest among the groups gnomAD compares: Non-Finnish European, 0.0056%; no homozygotes.

Submission:

Labcorp Genetics (formerly Invitae), Labcorp
Classification: Uncertain significance. Last evaluated: 2022-05-22. Review status: criteria provided, single submitter. Criteria: Invitae Variant Classification Sherloc (09022015). Collection method: clinical testing. Allele origin: germline.
Comment: In summary, the available evidence is currently insufficient to determine the role of this variant in disease. Therefore, it has been classified as a Variant of Uncertain Significance. Advanced modeling of protein sequence and biophysical properties (such as structural, functional, and spatial information, amino acid conservation, physicochemical variation, residue mobility, and thermodynamic stability) performed at Invitae indicates that this missense variant is expected to disrupt COMP protein function. This variant has not been reported in the literature in individuals affected with COMP-related conditions. This variant is present in population databases (no rsID available, gnomAD 0.006%). This sequence change replaces aspartic acid, which is acidic and polar, with tyrosine, which is neutral and polar, at codon 216 of the COMP protein (p.Asp216Tyr).

NM_000095.3(COMP):c.646G>T (p.Asp216Tyr)

Gene: COMP (cartilage oligomeric matrix protein; minus strand). Cytogenetic location: 19p13.11.
Variant type: single nucleotide variant.
Coding change: c.646G>T on transcript NM_000095.3 (MANE Select); coding-DNA position 646, G replaced by T.
Protein change: p.Asp216Tyr; replaces aspartic acid 216 with tyrosine.
Molecular consequence: missense variant.
Genome position (GRCh38, 1-based): chr19:18,788,708, C>A on the plus strand (G>T on the coding strand, the complement: COMP is on the minus strand). VCF-style: chr19-18788708-C-A. GRCh37 (hg19) VCF-style: chr19-18899517-C-A.
Other names: c.646G>T (NM_000095.2); short protein forms D216Y.
Identifiers: ClinVar variation 1924885 (VCV001924885.6), dbSNP rs1247174117, ClinGen allele CA404894276.